The following is an entry in ClinVar:

ClinVar aggregate classification (germline): Uncertain significance. Review status: criteria provided, multiple submitters, no conflicts (2 of 4 stars). 2 submissions from 2 submitters: Uncertain significance (2). Last evaluated 2026-01-21.

Conditions:
Nystagmus 1, congenital, X-linked. Also called: FRMD7-Related Infantile Nystagmus; NYSTAGMUS, INFANTILE IDIOPATHIC; NYSTAGMUS 1, INFANTILE, X-LINKED; NYSTAGMUS, CONGENITAL MOTOR, 1; NYSTAGMUS, INFANTILE PERIODIC ALTERNATING, X-LINKED. Identifiers: MedGen C1839580, MONDO:0010693, OMIM 310700.

Allele frequency attached by ClinVar (database versions not stated): gnomAD exomes below 0.00001 and 0.00001; ExAC 0.00001.
gnomAD v4.1: 5 of 1,211,513 alleles (0.00041%); highest among the groups gnomAD compares: Non-Finnish European, 0.00056%; no homozygotes.

Submissions (2):

Labcorp Genetics (formerly Invitae), Labcorp
Classification: Uncertain significance. Last evaluated: 2026-01-21. Review status: criteria provided, single submitter. Criteria: Invitae Variant Classification Sherloc (09022015). Collection method: clinical testing. Allele origin: germline.
Comment: This sequence change replaces proline, which is neutral and non-polar, with glutamine, which is neutral and polar, at codon 572 of the FRMD7 protein (p.Pro572Gln). This variant is present in population databases (rs781502273, gnomAD 0.003%), including at least one homozygous and/or hemizygous individual. This variant has not been reported in the literature in individuals affected with FRMD7-related conditions. ClinVar contains an entry for this variant (Variation ID: 1478708). An algorithm developed to predict the effect of missense changes on protein structure and function (PolyPhen-2) suggests that this variant is likely to be tolerated. In summary, the available evidence is currently insufficient to determine the role of this variant in disease. Therefore, it has been classified as a Variant of Uncertain Significance.

Department of Pathology and Laboratory Medicine, Sinai Health System
Classification: Uncertain significance for nystagmus 1, congenital, X-linked. Last evaluated: 2021-05-12. Review status: criteria provided, single submitter. Criteria: ACMG Guidelines, 2015. Collection method: research. Allele origin: germline.

NM_194277.3(FRMD7):c.1715C>A (p.Pro572Gln)

Gene: FRMD7 (FERM domain containing 7; minus strand). Cytogenetic location: Xq26.2.
Variant type: single nucleotide variant.
Coding change: c.1715C>A on transcript NM_194277.3 (MANE Select); coding-DNA position 1715, C replaced by A.
Protein change: p.Pro572Gln; replaces proline 572 with glutamine.
Molecular consequence: missense variant.
Genome position (GRCh38, 1-based): chrX:132,078,302, G>T on the plus strand (C>A on the coding strand, the complement: FRMD7 is on the minus strand). VCF-style: chrX-132078302-G-T. GRCh37 (hg19) VCF-style: chrX-131212330-G-T.
Other names: c.1670C>A, p.Pro557Gln (NM_001306193.2); short protein forms P557Q, P572Q.
Identifiers: ClinVar variation 1478708 (VCV001478708.9), dbSNP rs781502273, ClinGen allele CA10518829.